The following is an entry in ClinVar:

ClinVar aggregate classification (germline): Uncertain significance (1 of 4 stars; one submission).

Conditions:
Spondyloepimetaphyseal dysplasia, PAPSS2 type. Also called: SEMD, PAKISTANI TYPE; BRACHYOLMIA TYPE 4 WITH MILD EPIPHYSEAL AND METAPHYSEAL CHANGES; SPONDYLODYSPLASIA AND PREMATURE PUBARCHE. Identifiers: Orphanet 93282, MedGen C2748516, MONDO:0019666, OMIM 612847.

Submission:

Labcorp Genetics (formerly Invitae), Labcorp
Classification: Uncertain significance for Spondyloepimetaphyseal dysplasia, PAPSS2 type. Last evaluated: 2024-03-16. Review status: criteria provided, single submitter. Criteria: Invitae Variant Classification Sherloc (09022015). Collection method: clinical testing. Allele origin: germline.
Comment: This sequence change replaces aspartic acid, which is acidic and polar, with glutamic acid, which is acidic and polar, at codon 455 of the PAPSS2 protein (p.Asp455Glu). This variant is not present in population databases (gnomAD no frequency). This variant has not been reported in the literature in individuals affected with PAPSS2-related conditions. An algorithm developed to predict the effect of missense changes on protein structure and function (PolyPhen-2) suggests that this variant is likely to be tolerated. In summary, the available evidence is currently insufficient to determine the role of this variant in disease. Therefore, it has been classified as a Variant of Uncertain Significance.

NM_001015880.2(PAPSS2):c.1365T>A (p.Asp455Glu)

Gene: PAPSS2 (3'-phosphoadenosine 5'-phosphosulfate synthase 2; plus strand). Cytogenetic location: 10q23.31.
Variant type: single nucleotide variant.
Coding change: c.1365T>A on transcript NM_001015880.2 (MANE Select); coding-DNA position 1365, T replaced by A.
Protein change: p.Asp455Glu; replaces aspartic acid 455 with glutamic acid.
Molecular consequence: missense variant.
Genome position (GRCh38, 1-based): chr10:87,743,515, T>A. VCF-style: chr10-87743515-T-A. GRCh37 (hg19) VCF-style: chr10-89503272-T-A.
Other names: c.1350T>A, p.Asp450Glu (NM_004670.4); short protein forms D450E, D455E.
Identifiers: ClinVar variation 3607199 (VCV003607199.2).